The following is an entry in ClinVar:

NM_001128840.3(CACNA1D):c.2734C>T (p.His912Tyr)

Gene: CACNA1D (calcium voltage-gated channel subunit alpha1 D; plus strand). Cytogenetic location: 3p21.1.
Variant type: single nucleotide variant.
Coding change: c.2734C>T on transcript NM_001128840.3 (MANE Select); coding-DNA position 2734, C replaced by T.
Protein change: p.His912Tyr; replaces histidine 912 with tyrosine.
Molecular consequence: missense variant.
Genome position (GRCh38, 1-based): chr3:53,735,486, C>T. VCF-style: chr3-53735486-C-T. GRCh37 (hg19) VCF-style: chr3-53769513-C-T.
Other names: c.2794C>T, p.His932Tyr (NM_000720.4); c.2734C>T, p.His912Tyr (NM_001128839.3); short protein forms H912Y, H932Y.
Identifiers: ClinVar variation 3687398 (VCV003687398.2).

ClinVar aggregate classification (germline): Uncertain significance (1 of 4 stars; one submission).

Submission:

Labcorp Genetics (formerly Invitae), Labcorp
Classification: Uncertain significance. Last evaluated: 2024-09-10. Review status: criteria provided, single submitter. Criteria: Invitae Variant Classification Sherloc (09022015). Collection method: clinical testing. Allele origin: germline.
Comment: This sequence change replaces histidine, which is basic and polar, with tyrosine, which is neutral and polar, at codon 932 of the CACNA1D protein (p.His932Tyr). This variant is not present in population databases (gnomAD no frequency). This variant has not been reported in the literature in individuals affected with CACNA1D-related conditions. Invitae Evidence Modeling of protein sequence and biophysical properties (such as structural, functional, and spatial information, amino acid conservation, physicochemical variation, residue mobility, and thermodynamic stability) indicates that this missense variant is not expected to disrupt CACNA1D protein function with a negative predictive value of 80%. In summary, the available evidence is currently insufficient to determine the role of this variant in disease. Therefore, it has been classified as a Variant of Uncertain Significance.